The following is an entry in ClinVar:

NM_001164508.2(NEB):c.20906A>T (p.Glu6969Val)

Gene: NEB (nebulin; minus strand). Cytogenetic location: 2q23.3.
Variant type: single nucleotide variant.
Coding change: c.20906A>T on transcript NM_001164508.2 (MANE Select); coding-DNA position 20906, A replaced by T.
Protein change: p.Glu6969Val; replaces glutamic acid 6969 with valine.
Molecular consequence: missense variant.
Genome position (GRCh38, 1-based): chr2:151,538,231, T>A on the plus strand (A>T on the coding strand, the complement: NEB is on the minus strand). VCF-style: chr2-151538231-T-A. GRCh37 (hg19) VCF-style: chr2-152394745-T-A.
Other names: c.20906A>T, p.Glu6969Val (NM_001164507.2, NM_001271208.2); c.15803A>T, p.Glu5268Val (NM_004543.5); short protein forms E5268V, E6969V.
Identifiers: ClinVar variation 331428 (VCV000331428.11), dbSNP rs371680259, ClinGen allele CA1907131.

ClinVar aggregate classification (germline): Uncertain significance. Review status: criteria provided, multiple submitters, no conflicts (2 of 4 stars). 4 submissions from 4 submitters: Uncertain significance (3). 1 of the submissions does not count toward it. Last evaluated 2022-03-18.

Conditions:
Nemaline myopathy 2 (NEM2). Also called: Nemaline myopathy 2, autosomal recessive. Identifiers: MedGen C1850569, MONDO:0009725, OMIM 256030.

Allele frequency attached by ClinVar (database versions not stated): gnomAD exomes 0.00001 and below 0.00001; TOPMed 0.00001; ESP Exome Variant Server 0.00008; ExAC 0.00001.
gnomAD v4.1: 15 of 1,611,142 alleles (0.00093%); highest among the groups gnomAD compares: Non-Finnish European, 0.0013%; no homozygotes.

Submissions (4):

Labcorp Genetics (formerly Invitae), Labcorp
Classification: Uncertain significance for Nemaline myopathy 2. Last evaluated: 2022-03-18. Review status: criteria provided, single submitter. Criteria: Invitae Variant Classification Sherloc (09022015). Collection method: clinical testing. Allele origin: germline.
Comment: This sequence change replaces glutamic acid, which is acidic and polar, with valine, which is neutral and non-polar, at codon 6969 of the NEB protein (p.Glu6969Val). This variant is present in population databases (rs371680259, gnomAD 0.0009%). This variant has not been reported in the literature in individuals affected with NEB-related conditions. ClinVar contains an entry for this variant (Variation ID: 331428). Algorithms developed to predict the effect of missense changes on protein structure and function are either unavailable or do not agree on the potential impact of this missense change (SIFT: "Deleterious"; PolyPhen-2: "Not Available"; Align-GVGD: "Class C0"). Algorithms developed to predict the effect of sequence changes on RNA splicing suggest that this variant may create or strengthen a splice site. In summary, the available evidence is currently insufficient to determine the role of this variant in disease. Therefore, it has been classified as a Variant of Uncertain Significance.

GeneDx
Classification: Uncertain significance. Last evaluated: 2019-08-16. Review status: criteria provided, single submitter. Criteria: GeneDx Variant Classification Process June 2021. Collection method: clinical testing. Allele origin: germline. Affected: yes.
Comment: Not observed at a significant frequency in large population cohorts (Lek et al., 2016); In silico analysis, which includes protein predictors and evolutionary conservation, supports a deleterious effect; Has not been previously published as pathogenic or benign to our knowledge

Illumina Laboratory Services, Illumina
Classification: Uncertain significance for Nemaline myopathy 2. Last evaluated: 2018-01-13. Review status: criteria provided, single submitter. Criteria: ICSL Variant Classification Criteria 13 December 2019. Collection method: clinical testing. Allele origin: germline.

Natera, Inc.
Classification: Uncertain significance for Nemaline myopathy type 2. Last evaluated: 2025-04-15. Review status: no assertion criteria provided. Collection method: clinical testing. Allele origin: germline. Not counted in ClinVar's aggregate classification.